The following is an entry in ClinVar:

NM_000320.3(QDPR):c.580A>G (p.Met194Val)

Gene: QDPR (quinoid dihydropteridine reductase; minus strand). Cytogenetic location: 4p15.32.
Variant type: single nucleotide variant.
Coding change: c.580A>G on transcript NM_000320.3 (MANE Select); coding-DNA position 580, A replaced by G.
Protein change: p.Met194Val; replaces methionine 194 with valine.
Molecular consequence: missense variant. On other transcripts: non-coding transcript variant (1).
Genome position (GRCh38, 1-based): chr4:17,490,711, T>C on the plus strand (A>G on the coding strand, the complement: QDPR is on the minus strand). VCF-style: chr4-17490711-T-C. GRCh37 (hg19) VCF-style: chr4-17492334-T-C.
Other names: c.487A>G, p.Met163Val (NM_001306140.2); short protein forms M163V, M194V.
Identifiers: ClinVar variation 2057412 (VCV002057412.1), dbSNP rs1305093264, ClinGen allele CA356444214.

ClinVar aggregate classification (germline): Uncertain significance (1 of 4 stars; one submission).

Conditions:
Dihydropteridine reductase deficiency (HPABH4C). Also called: BH4-Deficient Hyperphenylalaninemia C; HYPERPHENYLALANINEMIA, TETRAHYDROBIOPTERIN-DEFICIENT, DUE TO DHPR DEFICIENCY; QDPR DEFICIENCY; QUINOID DIHYDROPTERIDINE REDUCTASE DEFICIENCY; Phenylketonuria II; Hyperphenylalaninemia due to dihydropteridine reductase deficiency. Identifiers: Orphanet 226, Orphanet 238583, MedGen C0268465, MONDO:0009862, OMIM 261630.

Allele frequency attached by ClinVar (database versions not stated): TOPMed below 0.00001; gnomAD exomes below 0.00001.

Submission:

Labcorp Genetics (formerly Invitae), Labcorp
Classification: Uncertain significance for Dihydropteridine reductase deficiency. Last evaluated: 2022-02-28. Review status: criteria provided, single submitter. Criteria: Invitae Variant Classification Sherloc (09022015). Collection method: clinical testing. Allele origin: germline.
Comment: This sequence change replaces methionine, which is neutral and non-polar, with valine, which is neutral and non-polar, at codon 194 of the QDPR protein (p.Met194Val). This variant is present in population databases (no rsID available, gnomAD 0.01%). This variant has not been reported in the literature in individuals affected with QDPR-related conditions. Algorithms developed to predict the effect of missense changes on protein structure and function are either unavailable or do not agree on the potential impact of this missense change (SIFT: "Deleterious"; PolyPhen-2: "Possibly Damaging"; Align-GVGD: "Class C15"). In summary, the available evidence is currently insufficient to determine the role of this variant in disease. Therefore, it has been classified as a Variant of Uncertain Significance.